The following is an entry in ClinVar:

ClinVar aggregate classification (germline): Uncertain significance (1 of 4 stars; one submission).

Allele frequency attached by ClinVar (database versions not stated): gnomAD exomes below 0.00001; ExAC 0.00001.
gnomAD v4.1: 4 of 1,613,624 alleles (0.00025%); highest among the groups gnomAD compares: Non-Finnish European, 0.00034%; no homozygotes.

Submission:

Labcorp Genetics (formerly Invitae), Labcorp
Classification: Uncertain significance. Last evaluated: 2021-09-15. Review status: criteria provided, single submitter. Criteria: Invitae Variant Classification Sherloc (09022015). Collection method: clinical testing. Allele origin: germline.
Comment: This sequence change replaces proline with arginine at codon 328 of the NBAS protein (p.Pro328Arg). The proline residue is highly conserved and there is a moderate physicochemical difference between proline and arginine. This variant is present in population databases (rs754568516, ExAC 0.001%). This variant has not been reported in the literature in individuals affected with NBAS-related conditions. Algorithms developed to predict the effect of missense changes on protein structure and function (SIFT, PolyPhen-2, Align-GVGD) all suggest that this variant is likely to be disruptive. In summary, the available evidence is currently insufficient to determine the role of this variant in disease. Therefore, it has been classified as a Variant of Uncertain Significance.

NM_015909.4(NBAS):c.983C>G (p.Pro328Arg)

Gene: NBAS (NBAS subunit of NRZ tethering complex; minus strand). Cytogenetic location: 2p24.3.
Variant type: single nucleotide variant.
Coding change: c.983C>G on transcript NM_015909.4 (MANE Select); coding-DNA position 983, C replaced by G.
Protein change: p.Pro328Arg; replaces proline 328 with arginine.
Molecular consequence: missense variant. On other transcripts: non-coding transcript variant (1).
Genome position (GRCh38, 1-based): chr2:15,488,994, G>C on the plus strand (C>G on the coding strand, the complement: NBAS is on the minus strand). VCF-style: chr2-15488994-G-C. GRCh37 (hg19) VCF-style: chr2-15629118-G-C.
Other names: short protein forms P328R.
Identifiers: ClinVar variation 1380897 (VCV001380897.3), dbSNP rs754568516, ClinGen allele CA1536829.
Genomic context (GRCh38, chr2:15,488,994, plus strand): 5'-GGAATCGCCCAGATGCTCAGTTTCCCTGAGAAGTGAATGGCTGCCAGGAGCATCCCATCT[G>C]GAGAAAGGCTCATCTTAAAAATTCCATCCTAAATAAGAATCATAAGGTCAGGGCAAAGGA-3'
Protein context (NP_056993.2, residues 318-338): QDGIFKMSLS[Pro328Arg]DGMLLAAIHF